The following is an entry in ClinVar:

NM_152564.5(VPS13B):c.10568A>G (p.Tyr3523Cys)

Gene: VPS13B (vacuolar protein sorting 13 homolog B; plus strand). Cytogenetic location: 8q22.2.
Variant type: single nucleotide variant.
Coding change: c.10568A>G on transcript NM_152564.5 (MANE Select); coding-DNA position 10568, A replaced by G.
Protein change: p.Tyr3523Cys; replaces tyrosine 3523 with cysteine.
Molecular consequence: missense variant.
Genome position (GRCh38, 1-based): chr8:99,853,957, A>G. VCF-style: chr8-99853957-A-G. GRCh37 (hg19) VCF-style: chr8-100866185-A-G.
Other names: c.10643A>G, p.Tyr3548Cys (NM_017890.5); c.10568A>G (NM_152564.4); short protein forms Y3523C.
Identifiers: ClinVar variation 95823 (VCV000095823.61), dbSNP rs398124326, ClinGen allele CA223338.

ClinVar aggregate classification (germline): Uncertain significance. Review status: criteria provided, multiple submitters, no conflicts (2 of 4 stars). 12 submissions from 12 submitters: Uncertain significance (8). 4 of the submissions do not count toward it. Last evaluated 2025-03-22.

Conditions:
VPS13B-related disorder. Also called: VPS13B-related condition.
Inborn genetic diseases. Identifiers: MedGen C0950123, MeSH D030342.
Cohen syndrome (COH1). Also called: PEPPER SYNDROME; Cutis verticis gyrata, retinitis pigmentosa, and sensorineural deafness. Identifiers: Orphanet 193, MedGen C0265223, MONDO:0008999, OMIM 216550.

Allele frequency attached by ClinVar (database versions not stated): TOPMed 0.00014; gnomAD 0.00016 and 0.00018; gnomAD exomes 0.00017 and 0.00018; ExAC 0.00016.
gnomAD v4.1: 286 of 1,614,068 alleles (0.018%); highest among the groups gnomAD compares: Non-Finnish European, 0.022%; no homozygotes.

Submissions (12):

Ambry Genetics
Classification: Uncertain significance for Inborn genetic diseases. Last evaluated: 2025-03-22. Review status: criteria provided, single submitter. Criteria: Ambry Variant Classification Scheme 2023. Collection method: clinical testing. Allele origin: germline.

Blueprint Genetics
Classification: Uncertain significance. Last evaluated: 2024-11-08. Review status: criteria provided, single submitter. Criteria: ACMG Guidelines, 2015. Collection method: clinical testing. Allele origin: germline.

Labcorp Genetics (formerly Invitae), Labcorp
Classification: Uncertain significance for Cohen syndrome. Last evaluated: 2024-01-22. Review status: criteria provided, single submitter. Criteria: Invitae Variant Classification Sherloc (09022015). Collection method: clinical testing. Allele origin: germline.
Comment: This sequence change replaces tyrosine, which is neutral and polar, with cysteine, which is neutral and slightly polar, at codon 3548 of the VPS13B protein (p.Tyr3548Cys). This variant is present in population databases (rs398124326, gnomAD 0.03%). This variant has not been reported in the literature in individuals affected with VPS13B-related conditions. ClinVar contains an entry for this variant (Variation ID: 95823). Advanced modeling of protein sequence and biophysical properties (such as structural, functional, and spatial information, amino acid conservation, physicochemical variation, residue mobility, and thermodynamic stability) performed at Invitae indicates that this missense variant is expected to disrupt VPS13B protein function with a positive predictive value of 80%. In summary, the available evidence is currently insufficient to determine the role of this variant in disease. Therefore, it has been classified as a Variant of Uncertain Significance.

CeGaT Center for Human Genetics Tuebingen
Classification: Uncertain significance. Last evaluated: 2019-09-01. Review status: criteria provided, single submitter. Criteria: CeGaT Center For Human Genetics Tuebingen Variant Classification Criteria Version 2. Collection method: clinical testing. Allele origin: germline. Affected: yes. Observed: 2 variant alleles.

GeneDx
Classification: Uncertain significance. Last evaluated: 2019-08-14. Review status: criteria provided, single submitter. Criteria: GeneDx Variant Classification Process June 2021. Collection method: clinical testing. Allele origin: germline. Affected: yes.
Comment: In silico analysis, which includes protein predictors and evolutionary conservation, supports that this variant does not alter protein structure/function; Has not been previously published as pathogenic or benign to our knowledge

Fulgent Genetics
Classification: Uncertain significance for Cohen syndrome. Last evaluated: 2018-10-31. Review status: criteria provided, single submitter. Criteria: ACMG Guidelines, 2015. Collection method: clinical testing. Allele origin: unknown.

Illumina Laboratory Services, Illumina
Classification: Uncertain significance for Cohen syndrome. Last evaluated: 2018-01-13. Review status: criteria provided, single submitter. Criteria: ICSL Variant Classification Criteria 13 December 2019. Collection method: clinical testing. Allele origin: germline.

Eurofins Ntd Llc (ga)
Classification: Uncertain significance. Last evaluated: 2013-09-05. Review status: criteria provided, single submitter. Criteria: EGL Classification Definitions 2015. Collection method: clinical testing. Allele origin: germline. Observed: 1 variant allele, 1 heterozygote.

PreventionGenetics, part of Exact Sciences
Classification: Uncertain significance for VPS13B-related condition. Last evaluated: 2024-08-01. Review status: no assertion criteria provided. Collection method: clinical testing. Allele origin: germline. Not counted in ClinVar's aggregate classification.
Comment: The VPS13B c.10568A>G variant is predicted to result in the amino acid substitution p.Tyr3523Cys. To our knowledge, this variant has not been reported in the literature. This variant is reported in 0.031% of alleles in individuals of European (Non-Finnish) descent in gnomAD. At this time, the clinical significance of this variant is uncertain due to the absence of conclusive functional and genetic evidence.

Natera, Inc.
Classification: Uncertain significance for Cohen syndrome. Last evaluated: 2019-10-29. Review status: no assertion criteria provided. Collection method: clinical testing. Allele origin: germline. Not counted in ClinVar's aggregate classification.

Clinical Genetics DNA and cytogenetics Diagnostics Lab, Erasmus MC, Erasmus Medical Center
Classification: Uncertain significance. Review status: no assertion criteria provided. Collection method: clinical testing. Allele origin: germline. Affected: yes. Study: VKGL Data-share Consensus. Not counted in ClinVar's aggregate classification.

Diagnostic Laboratory, Department of Genetics, University Medical Center Groningen
Classification: Uncertain significance. Review status: no assertion criteria provided. Collection method: clinical testing. Allele origin: germline. Affected: yes. Study: VKGL Data-share Consensus. Not counted in ClinVar's aggregate classification.